The following is an entry in ClinVar:

NM_175914.5(HNF4A):c.335G>C (p.Arg112Pro)

Gene: HNF4A (hepatocyte nuclear factor 4 alpha; plus strand). Cytogenetic location: 20q13.12.
Variant type: single nucleotide variant.
Coding change: c.335G>C on transcript NM_175914.5 (MANE Select); coding-DNA position 335, G replaced by C.
Protein change: p.Arg112Pro; replaces arginine 112 with proline.
Molecular consequence: missense variant.
Genome position (GRCh38, 1-based): chr20:44,413,709, G>C. VCF-style: chr20-44413709-G-C. GRCh37 (hg19) VCF-style: chr20-43042349-G-C.
Other names: c.401G>C, p.Arg134Pro (NM_000457.6, NM_178849.3, NM_178850.3); c.335G>C, p.Arg112Pro (NM_001030003.3, NM_001030004.3); c.380G>C, p.Arg127Pro (NM_001258355.2); c.326G>C, p.Arg109Pro (NM_001287182.2, NM_001287183.2, NM_001287184.2); short protein forms R109P, R112P, R127P, R134P.
Identifiers: ClinVar variation 3342852 (VCV003342852.2).
Genomic context (GRCh38, chr20:44,413,709, plus strand): 5'-CTCCATCCCTGTTCTCCCTCCTCACCTCTCTGTGCCTCCTCACAGCCGTCCAGAATGAGC[G>C]GGACCGGATCAGCACTCGAAGGTCAAGCTATGAGGACAGCAGCCTGCCCTCCATCAATGC-3'
Protein context (NP_787110.2, residues 102-122): GMKKEAVQNE[Arg112Pro]DRISTRRSSY

ClinVar aggregate classification (germline): Conflicting classifications of pathogenicity. Review status: criteria provided, conflicting classifications (1 of 4 stars). 2 submissions from 2 submitters: Likely pathogenic (1); Uncertain significance (1). Last evaluated 2025-10-23.

Conditions:
Maturity-onset diabetes of the young (MODY). Also called: Maturity onset diabetes mellitus in young. Identifiers: Orphanet 552, MedGen C0342276, MONDO:0018911, HP:0004904.

Submissions (2):

Women's Health and Genetics/Laboratory Corporation of America, LabCorp
Classification: Likely pathogenic for Maturity-onset diabetes of the young. Last evaluated: 2025-10-23. Review status: criteria provided, single submitter. Criteria: LabCorp Variant Classification Summary - May 2015. Collection method: clinical testing. Allele origin: germline.
Comment: Variant summary: HNF4A c.335G>C (p.Arg112Pro) results in a non-conservative amino acid change in the encoded protein sequence. Algorithms developed to predict the effect of missense changes on protein structure and function all suggest that this variant is likely to be disruptive. The variant was absent in 250614 control chromosomes. c.335G>C has been observed in the presumed heterozygous state in at least 1 individual(s) affected with clinical features of Maturity Onset Diabetes Of The Young 1/Neonatal Diabetes Mellitus (example, Donath_2019). At least 2 different variants affecting the same codon have been determined to be likely pathogenic/pathogenic by our lab (c.335G>A, p.Arg112Gln and c.334C>T, p.Arg112Trp), supporting the critical relevance of codon 112 to HNF4A protein function. To our knowledge, no experimental evidence demonstrating an impact on protein function has been reported. The following publication have been ascertained in the context of this evaluation (PMID: 31291970). ClinVar contains an entry for this variant (Variation ID: 3342852). Based on the evidence outlined above, the variant was classified as likely pathogenic.

GeneDx
Classification: Uncertain significance. Last evaluated: 2024-03-01. Review status: criteria provided, single submitter. Criteria: GeneDx Variant Classification Process June 2021. Collection method: clinical testing. Allele origin: germline. Affected: yes.
Comment: In silico analysis supports that this missense variant has a deleterious effect on protein structure/function; Not observed at significant frequency in large population cohorts (gnomAD); This variant is associated with the following publications: (PMID: 31291970, 18829458)

Literature cited by the submitters: PubMed 31291970 (cited by Women's Health and Genetics/Laboratory Corporation of America, LabCorp).